The following is an entry in ClinVar:

ClinVar aggregate classification (germline): Uncertain significance (1 of 4 stars; one submission).

Conditions:
Hyperkalemic periodic paralysis. Also called: Familial hyperkalemic periodic paralysis; Gamstorp disease. Identifiers: Orphanet 682, MedGen C0238357, MONDO:0008224, OMIM 170500, HP:0007215.

Allele frequency attached by ClinVar (database versions not stated): TOPMed below 0.00001.

Submission:

Labcorp Genetics (formerly Invitae), Labcorp
Classification: Uncertain significance for Hyperkalemic periodic paralysis. Last evaluated: 2024-07-01. Review status: criteria provided, single submitter. Criteria: Invitae Variant Classification Sherloc (09022015). Collection method: clinical testing. Allele origin: germline.
Comment: This sequence change falls in intron 19 of the SCN4A gene. It does not directly change the encoded amino acid sequence of the SCN4A protein. It affects a nucleotide within the consensus splice site. This variant is not present in population databases (gnomAD no frequency). This variant has not been reported in the literature in individuals affected with SCN4A-related conditions. Variants that disrupt the consensus splice site are a relatively common cause of aberrant splicing (PMID: 17576681, 9536098). Algorithms developed to predict the effect of sequence changes on RNA splicing suggest that this variant may disrupt the consensus splice site. In summary, the available evidence is currently insufficient to determine the role of this variant in disease. Therefore, it has been classified as a Variant of Uncertain Significance.

Literature cited by the submitters: PubMed 17576681; PubMed 9536098.

NM_000334.4(SCN4A):c.3720+6T>C

Genes: GH-LCR (growth hormone locus control region; plus strand), SCN4A (sodium voltage-gated channel alpha subunit 4; minus strand). Cytogenetic location: 17q23.3.
Variant type: single nucleotide variant.
Coding change: c.3720+6T>C on transcript NM_000334.4 (MANE Select); 6 bases into the intron after coding-DNA position 3720, T replaced by C.
Molecular consequence: intron variant.
Genome position (GRCh38, 1-based): chr17:63,945,354, A>G on the plus strand (T>C on the coding strand, the complement: SCN4A is on the minus strand). VCF-style: chr17-63945354-A-G. GRCh37 (hg19) VCF-style: chr17-62022714-A-G.
Identifiers: ClinVar variation 2840993 (VCV002840993.3), dbSNP rs1446953942, ClinGen allele CA774009129.
Genomic context (GRCh38, chr17:63,945,354, plus strand): 5'-ACGAGAGGACCGGGGTGGGGGGCACCTCCATCCAGGTTCCCGGCAGGGGTGGTGGGTCAC[A>G]CTCACCACCTGCAGGAGGGAGAGGTAGCCCAGACCCACGTTGTCGTAGTTGACCTTGACA-3'